The following is an entry in ClinVar:

NM_004187.5(KDM5C):c.2373T>G (p.Leu791=)

Gene: KDM5C (lysine demethylase 5C; minus strand). Cytogenetic location: Xp11.22.
Variant type: single nucleotide variant.
Coding change: c.2373T>G on transcript NM_004187.5 (MANE Select); coding-DNA position 2373, T replaced by G.
Protein change: p.Leu791=; no amino-acid change (leucine 791 retained).
Molecular consequence: synonymous variant. On other transcripts: non-coding transcript variant (3).
Genome position (GRCh38, 1-based): chrX:53,198,633, A>C on the plus strand (T>G on the coding strand, the complement: KDM5C is on the minus strand). VCF-style: chrX-53198633-A-C. GRCh37 (hg19) VCF-style: chrX-53227815-A-C.
Other names: c.2373T>G, p.Leu791= (NM_001353984.2, NM_001353978.3, NM_001353981.2); c.2172T>G, p.Leu724= (NM_001146702.2); c.2370T>G, p.Leu790= (NM_001282622.3, NM_001353979.2, NM_001353982.2).
Identifiers: ClinVar variation 2660590 (VCV002660590.24), dbSNP rs2519414135, ClinGen allele CA516426042.

ClinVar aggregate classification (germline): Likely benign (1 of 4 stars; one submission).

Allele frequency attached by ClinVar (database versions not stated): gnomAD exomes below 0.00001.

Submission:

CeGaT Center for Human Genetics Tuebingen
Classification: Likely benign. Last evaluated: 2026-05-01. Review status: criteria provided, single submitter. Criteria: CeGaT Center For Human Genetics Tuebingen Variant Classification Criteria Version 2. Collection method: clinical testing. Allele origin: germline. Affected: yes. Observed: 5 variant alleles.
Comment: KDM5C: BP4, BP7